The following is an entry in ClinVar:

NM_013275.6(ANKRD11):c.3019C>G (p.Arg1007Gly)

Gene: ANKRD11 (ankyrin repeat domain 11; minus strand). Cytogenetic location: 16q24.3.
Variant type: single nucleotide variant.
Coding change: c.3019C>G on transcript NM_013275.6 (MANE Select); coding-DNA position 3019, C replaced by G.
Protein change: p.Arg1007Gly; replaces arginine 1007 with glycine.
Molecular consequence: missense variant.
Genome position (GRCh38, 1-based): chr16:89,283,523, G>C on the plus strand (C>G on the coding strand, the complement: ANKRD11 is on the minus strand). VCF-style: chr16-89283523-G-C. GRCh37 (hg19) VCF-style: chr16-89349931-G-C.
Other names: c.3019C>G, p.Arg1007Gly (NM_001256182.2, NM_001256183.2); short protein forms R1007G.
Identifiers: ClinVar variation 3632834 (VCV003632834.3).
Genomic context (GRCh38, chr16:89,283,523, plus strand): 5'-TTTCTGGTTTTGTCTTCTCCTTCCTTTCCTTATCGGGGCCATCCTTCTTCTCCTTCTCTC[G>C]TGCTGGGTGGTGCCGTTCCCACGGCTCCAGGCCCTTCCCAAAGTCGCCGTCGGACTTGTC-3'
Protein context (NP_037407.4, residues 997-1017): LEPWERHHPA[Arg1007Gly]EKEKKDGPDK

ClinVar aggregate classification (germline): Conflicting classifications of pathogenicity. Review status: criteria provided, conflicting classifications (1 of 4 stars). 2 submissions from 2 submitters: Uncertain significance (1); Likely benign (1). Last evaluated 2024-10-21.

Conditions:
KBG syndrome (KBGS). Also called: ANKRD11-Related KBG Syndrome. Identifiers: Orphanet 2332, MedGen C0220687, MONDO:0007846, OMIM 148050.

gnomAD v4.1: 38 of 1,612,704 alleles (0.0024%); highest among the groups gnomAD compares: Non-Finnish European, 0.0031%; no homozygotes.

Submissions (2):

Labcorp Genetics (formerly Invitae), Labcorp
Classification: Uncertain significance for KBG syndrome. Last evaluated: 2024-10-21. Review status: criteria provided, single submitter. Criteria: Invitae Variant Classification Sherloc (09022015). Collection method: clinical testing. Allele origin: germline.
Comment: This sequence change replaces arginine, which is basic and polar, with glycine, which is neutral and non-polar, at codon 1007 of the ANKRD11 protein (p.Arg1007Gly). This variant is present in population databases (rs752918694, gnomAD 0.002%). This variant has not been reported in the literature in individuals affected with ANKRD11-related conditions. Invitae Evidence Modeling of protein sequence and biophysical properties (such as structural, functional, and spatial information, amino acid conservation, physicochemical variation, residue mobility, and thermodynamic stability) indicates that this missense variant is not expected to disrupt ANKRD11 protein function with a negative predictive value of 95%. In summary, the available evidence is currently insufficient to determine the role of this variant in disease. Therefore, it has been classified as a Variant of Uncertain Significance.

Blueprint Genetics
Classification: Likely benign. Last evaluated: 2024-07-04. Review status: criteria provided, single submitter. Criteria: ACMG Guidelines, 2015. Collection method: clinical testing. Allele origin: germline.